The following is an entry in ClinVar:

ClinVar aggregate classification (germline): Uncertain significance. Review status: criteria provided, multiple submitters, no conflicts (2 of 4 stars). 2 submissions from 2 submitters: Uncertain significance (2). Last evaluated 2021-01-04.

Conditions:
Galactosylceramide beta-galactosidase deficiency. Also called: Krabbe Disease; Leukodystrophy, Globoid Cell; GALACTOCEREBROSIDASE DEFICIENCY; GALC DEFICIENCY; GLOBOID CELL LEUKOENCEPHALOPATHY. Identifiers: Orphanet 487, MedGen C0023521, MONDO:0009499, OMIM 245200.

Submissions (2):

Labcorp Genetics (formerly Invitae), Labcorp
Classification: Uncertain significance for Galactosylceramide beta-galactosidase deficiency. Last evaluated: 2021-01-04. Review status: criteria provided, single submitter. Criteria: Invitae Variant Classification Sherloc (09022015). Collection method: clinical testing. Allele origin: germline.
Comment: Algorithms developed to predict the effect of missense changes on protein structure and function are either unavailable or do not agree on the potential impact of this missense change (SIFT: "Deleterious"; PolyPhen-2: "Possibly Damaging"; Align-GVGD: "Class C0"). Nucleotide substitutions within the consensus splice site are a relatively common cause of aberrant splicing (PMID: 17576681, 9536098). Algorithms developed to predict the effect of sequence changes on RNA splicing suggest that this variant may disrupt the consensus splice site, but this prediction has not been confirmed by published transcriptional studies. In summary, the available evidence is currently insufficient to determine the role of this variant in disease. Therefore, it has been classified as a Variant of Uncertain Significance. This variant has not been reported in the literature in individuals with GALC-related conditions. This sequence change replaces tryptophan with cysteine at codon 446 of the GALC protein (p.Trp446Cys). The tryptophan residue is moderately conserved and there is a large physicochemical difference between tryptophan and cysteine. This variant also falls at the last nucleotide of exon 12, which is part of the consensus splice site for this exon. This variant is not present in population databases (ExAC no frequency).

Revvity Omics, Revvity
Classification: Uncertain significance. Last evaluated: 2020-04-04. Review status: criteria provided, single submitter. Criteria: ACMG Guidelines, 2015. Collection method: clinical testing. Allele origin: germline.

Literature cited by the submitters: PubMed 17576681 (cited by Labcorp Genetics (formerly Invitae), Labcorp); PubMed 9536098 (cited by Labcorp Genetics (formerly Invitae), Labcorp).

NM_000153.4(GALC):c.1338G>C (p.Trp446Cys)

Gene: GALC (galactosylceramidase; minus strand). Cytogenetic location: 14q31.3.
Variant type: single nucleotide variant.
Coding change: c.1338G>C on transcript NM_000153.4 (MANE Select); coding-DNA position 1338, G replaced by C.
Protein change: p.Trp446Cys; replaces tryptophan 446 with cysteine.
Molecular consequence: missense variant.
Genome position (GRCh38, 1-based): chr14:87,949,845, C>G on the plus strand (G>C on the coding strand, the complement: GALC is on the minus strand). VCF-style: chr14-87949845-C-G. GRCh37 (hg19) VCF-style: chr14-88416189-C-G.
Other names: c.1338G>C (NM_000153.3); c.1269G>C, p.Trp423Cys (NM_001201401.2); c.1260G>C, p.Trp420Cys (NM_001201402.2); short protein forms W420C, W423C, W446C.
Identifiers: ClinVar variation 1469800 (VCV001469800.10), dbSNP rs2139961409, ClinGen allele CA390746699.